The following is an entry in ClinVar:

NM_000288.4(PEX7):c.40_56dup (p.Tyr20fs)

Gene: PEX7 (peroxisomal biogenesis factor 7; plus strand). Cytogenetic location: 6q23.3.
Variant type: Duplication.
Coding change: c.40_56dup on transcript NM_000288.4 (MANE Select); coding-DNA positions 40 to 56, 17 bases duplicated (ACGCCGGGACGCCACGG).
Protein change: p.Tyr20fs; shifts the reading frame from tyrosine 20.
Molecular consequence: frameshift variant.
Genome position (GRCh38, 1-based): chr6:136,822,705-136,822,721, ACGCCGGGACGCCACGG duplicated; duplicating any 17 consecutive bases within chr6:136,822,702-136,822,721 gives the same sequence; the c. name uses the placement nearest the transcript's 3' end. VCF-style (leftmost placement, unchanged base first): chr6-136822701-G-GCGGACGCCGGGACGCCA. GRCh37 (hg19) VCF-style: chr6-137143839-G-GCGGACGCCGGGACGCCA.
Other names: short protein forms Y20fs.
Identifiers: ClinVar variation 5016257 (VCV005016257.1).

ClinVar aggregate classification (germline): Pathogenic (1 of 4 stars; one submission).

Conditions:
Peroxisome biogenesis disorder. Identifiers: Orphanet 79189, MedGen C1832200, MONDO:0019234. Disease mechanism: loss of function.

Submission:

Myriad Genetics, Inc.
Classification: Pathogenic for Peroxisome biogenesis disorder. Last evaluated: 2026-08-20. Review status: criteria provided, single submitter. Criteria: Myriad Autosomal Dominant, Autosomal Recessive and X-Linked Classification Criteria (2023). Collection method: clinical testing. Allele origin: unknown.
Comment: NM_000288.3(PEX7):c.40_56dup17(Y20Rfs*36) is expected to be pathogenic in the context of PEX7-related disorders. This variant is predicted to lead to an abnormal or absent protein product due to the creation of a premature termination codon in PEX7, a gene where loss-of-function variants are known to be pathogenic. Please note: this variant was assessed in the context of healthy population screening.